The following is an entry in ClinVar:

ClinVar aggregate classification (germline): Likely benign. Review status: criteria provided, multiple submitters, no conflicts (2 of 4 stars). 3 submissions from 3 submitters: Likely benign (3). Last evaluated 2023-04-01.

Allele frequency attached by ClinVar (database versions not stated): 1000 Genomes Project 30x 0.00016; gnomAD exomes 0.00018; 1000 Genomes Project 0.00020; ExAC 0.00022; gnomAD 0.00038; ESP Exome Variant Server 0.00054; TOPMed 0.00076.
gnomAD v4.1: 203 of 1,614,204 alleles (0.013%); highest among the groups gnomAD compares: African/African-American, 0.15%; 1 homozygote.

Submissions (3):

CeGaT Center for Human Genetics Tuebingen
Classification: Likely benign. Last evaluated: 2023-04-01. Review status: criteria provided, single submitter. Criteria: CeGaT Center For Human Genetics Tuebingen Variant Classification Criteria Version 2. Collection method: clinical testing. Allele origin: germline. Affected: yes. Observed: 1 variant allele.
Comment: PTPRG: BP4, BP7

Labcorp Genetics (formerly Invitae), Labcorp
Classification: Likely benign. Last evaluated: 2017-12-05. Review status: criteria provided, single submitter. Criteria: Invitae Variant Classification Sherloc (09022015). Collection method: clinical testing. Allele origin: germline.

Breakthrough Genomics
Classification: Likely benign. Review status: criteria provided, single submitter. Criteria: ACMG Guidelines, 2015. Collection method: not provided. Allele origin: germline. Inheritance: Unknown mechanism. Affected: yes.

NM_002841.4(PTPRG):c.1287C>T (p.Asn429=)

Gene: PTPRG (protein tyrosine phosphatase receptor type G; plus strand). Cytogenetic location: 3p14.2.
Variant type: single nucleotide variant.
Coding change: c.1287C>T on transcript NM_002841.4 (MANE Select); coding-DNA position 1287, C replaced by T.
Protein change: p.Asn429=; no amino-acid change (asparagine 429 retained).
Molecular consequence: synonymous variant.
Genome position (GRCh38, 1-based): chr3:62,195,130, C>T. VCF-style: chr3-62195130-C-T. GRCh37 (hg19) VCF-style: chr3-62180804-C-T.
Other names: c.1287C>T, p.Asn429= (NM_001375471.1).
Identifiers: ClinVar variation 726576 (VCV000726576.28), dbSNP rs112710255, ClinGen allele CA2474671.